The following is an entry in ClinVar:

ClinVar aggregate classification (germline): Likely pathogenic (1 of 4 stars; one submission).

Conditions:
Retinitis pigmentosa (RP). Identifiers: Orphanet 791, MedGen C0035334, MeSH D012174, MONDO:0019200, OMIM 268000. Inheritance: Autosomal dominant, autosomal recessive and X linked inheritance.

Submission:

Ophthalmic Genetics Group, Institute of Molecular and Clinical Ophthalmology Basel
Classification: Likely pathogenic for Retinitis pigmentosa. Last evaluated: 2023-07-24. Review status: criteria provided, single submitter. Criteria: ACMG Guidelines, 2015. Collection method: research. Allele origin: germline. Affected: yes. Observed: 1 variant allele.
Comment: Clinical significance based on ACMG v2.0

This variant was classified as Likely pathogenic based on ACMG criteria: PVS1, PM2.

Literature cited by the submitters: PubMed 36909829.

NM_001201543.2(FAM161A):c.1420del (p.Ala474fs)

Gene: FAM161A (FAM161 centrosomal protein A; minus strand). Cytogenetic location: 2p15.
Variant type: Deletion.
Coding change: c.1420del on transcript NM_001201543.2 (MANE Select); coding-DNA position 1420, one base deleted (G; older notation c.1420delG).
Protein change: p.Ala474fs; shifts the reading frame from alanine 474.
Molecular consequence: frameshift variant. On other transcripts: non-coding transcript variant (1).
Genome position (GRCh38, 1-based): chr2:61,839,584, C deleted on the plus strand (G on the coding strand, the reverse complement: FAM161A is on the minus strand); the first of 2 consecutive C bases (chr2:61,839,584-61,839,585); deleting either gives the same sequence. VCF-style (leftmost placement, unchanged base first): chr2-61839583-GC-G. GRCh37 (hg19) VCF-style: chr2-62066718-GC-G.
Other names: NC_000002.11:g.62066719del; NP_001188472.1:p.(Ala474GlnfsTer10); c.1420del, p.Ala474fs (NM_032180.3); short protein forms A474fs.
Identifiers: ClinVar variation 2577516 (VCV002577516.2), dbSNP rs2105080750, ClinGen allele CA2580617420.
Genomic context (GRCh38, chr2:61,839,583, plus strand): 5'-CTTGGAGACAAATAAGGCCAACGTGTTTCTTTTAAATTTTCTTCATCTGCTTCGATGTCT[GC>G]CAAAATTTTTTCTCTTTTAATAGATGCATGTGGAGATGCATGAAGATCAAATGGTTTACA-3'